The following is an entry in ClinVar:

NM_000368.5(TSC1):c.364A>T (p.Met122Leu)

Gene: TSC1 (TSC complex subunit 1; minus strand). Cytogenetic location: 9q34.13.
Variant type: single nucleotide variant.
Coding change: c.364A>T on transcript NM_000368.5 (MANE Select); coding-DNA position 364, A replaced by T.
Protein change: p.Met122Leu; replaces methionine 122 with leucine.
Molecular consequence: missense variant. On other transcripts: non-coding transcript variant (5), initiator codon variant (13), 5 prime UTR variant (5).
Genome position (GRCh38, 1-based): chr9:132,923,492, T>A on the plus strand (A>T on the coding strand, the complement: TSC1 is on the minus strand). VCF-style: chr9-132923492-T-A. GRCh37 (hg19) VCF-style: chr9-135798879-T-A.
Other names: c.364A>T, p.Met122Leu (NM_001406593.1, NM_001406594.1, NM_001406595.1 and 16 more transcripts); c.211A>T, p.Met71Leu (NM_001406612.1, NM_001406613.1, NM_001162427.2 and 2 more transcripts); c.1A>T, p.Met1Leu (NM_001406614.1, NM_001406615.1, NM_001406616.1 and 10 more transcripts); c.-514A>T (NM_001406626.1, NM_001406627.1, NM_001406628.1); c.-656A>T (NM_001406629.1); c.-730A>T (NM_001406630.1); short protein forms M1L, M71L, M122L.
Identifiers: ClinVar variation 3329453 (VCV003329453.1).

ClinVar aggregate classification (germline): Uncertain significance (1 of 4 stars; one submission).

Conditions:
Hereditary cancer-predisposing syndrome. Also called: Neoplastic Syndromes, Hereditary; Tumor predisposition; Hereditary neoplastic syndrome; Hereditary Cancer Syndrome. Identifiers: Orphanet 140162, MedGen C0027672, MeSH D009386, MONDO:0015356.

Submission:

Ambry Genetics
Classification: Uncertain significance for Hereditary cancer-predisposing syndrome. Last evaluated: 2024-06-12. Review status: criteria provided, single submitter. Criteria: Ambry Variant Classification Scheme 2023. Collection method: clinical testing. Allele origin: germline.
Comment: The p.M122L variant (also known as c.364A>T) is located in coding exon 4 of the TSC1 gene. The methionine at codon 122 is replaced by leucine, an amino acid with highly similar properties. This change occurs in the first base pair of coding exon 4. This amino acid position is conserved. In addition, this alteration is predicted to be tolerated by in silico analysis. Based on the available evidence, the clinical significance of this variant remains unclear.